The following is an entry in ClinVar:

NM_025137.4(SPG11):c.3687-2A>G

Gene: SPG11 (SPG11 vesicle trafficking associated, spatacsin; minus strand). Cytogenetic location: 15q21.1.
Variant type: single nucleotide variant.
Coding change: c.3687-2A>G on transcript NM_025137.4 (MANE Select); the canonical splice acceptor site of the intron before coding-DNA position 3687, A replaced by G.
Molecular consequence: splice acceptor variant.
Genome position (GRCh38, 1-based): chr15:44,598,838, T>C on the plus strand (A>G on the coding strand, the complement: SPG11 is on the minus strand). VCF-style: chr15-44598838-T-C. GRCh37 (hg19) VCF-style: chr15-44891036-T-C.
Other names: c.3687-2A>G (NM_001411132.1, NM_001160227.2).
Identifiers: ClinVar variation 2901894 (VCV002901894.3), dbSNP rs2505396805, ClinGen allele CA392230519.

ClinVar aggregate classification (germline): Likely pathogenic (1 of 4 stars; one submission).

Conditions:
Hereditary spastic paraplegia 11. Also called: SPASTIC PARAPLEGIA, AUTOSOMAL RECESSIVE, COMPLICATED, WITH THIN CORPUS CALLOSUM; SPASTIC PARAPLEGIA, AUTOSOMAL RECESSIVE, WITH MENTAL IMPAIRMENT AND THIN CORPUS CALLOSUM; Spastic Paraplegia 11; Spastic paraplegia, mental retardation and thin corpus callosum; Nakamura Osame syndrome; Autosomal recessive hereditary spastic paraplegia, mental impairment, and thin corpus callosum. Identifiers: Orphanet 2822, MedGen C1858479, MONDO:0011445, OMIM 604360.

Submission:

Labcorp Genetics (formerly Invitae), Labcorp
Classification: Likely pathogenic for Hereditary spastic paraplegia 11. Last evaluated: 2023-08-16. Review status: criteria provided, single submitter. Criteria: Invitae Variant Classification Sherloc (09022015). Collection method: clinical testing. Allele origin: germline.
Comment: Algorithms developed to predict the effect of sequence changes on RNA splicing suggest that this variant may disrupt the consensus splice site. In summary, the currently available evidence indicates that the variant is pathogenic, but additional data are needed to prove that conclusively. Therefore, this variant has been classified as Likely Pathogenic. This variant has not been reported in the literature in individuals affected with SPG11-related conditions. This variant is not present in population databases (gnomAD no frequency). This sequence change affects an acceptor splice site in intron 21 of the SPG11 gene. It is expected to disrupt RNA splicing. Variants that disrupt the donor or acceptor splice site typically lead to a loss of protein function (PMID: 16199547), and loss-of-function variants in SPG11 are known to be pathogenic (PMID: 19105190, 20110243, 22154821, 26556829).

Literature cited by the submitters: PubMed 16199547; PubMed 19105190; PubMed 20110243; PubMed 22154821; PubMed 26556829.